The following is an entry in ClinVar:

NM_001987.5(ETV6):c.380_395delinsACT (p.Arg127fs)

Gene: ETV6 (ETS variant transcription factor 6; plus strand). Cytogenetic location: 12p13.2.
Variant type: Indel.
Coding change: c.380_395delinsACT on transcript NM_001987.5 (MANE Select); coding-DNA positions 380 to 395, GGATTCTTTTTTCACC replaced by ACT.
Protein change: p.Arg127fs; shifts the reading frame from arginine 127.
Molecular consequence: frameshift variant.
Genome position (GRCh38, 1-based): chr12:11,853,478-11,853,493, GGATTCTTTTTTCACC replaced by ACT. VCF-style: chr12-11853478-GGATTCTTTTTTCACC-ACT. GRCh37 (hg19) VCF-style: chr12-12006412-GGATTCTTTTTTCACC-ACT.
Other names: c.377_392delinsACT, p.Arg126fs (NM_001413913.1); c.353_368delinsACT, p.Arg118fs (NM_001413914.1); c.116_131delinsACT, p.Arg39fs (NM_001413915.1); c.380_395delinsACT, p.Arg127fs (NM_001413916.1, NM_001413917.1); short protein forms R118fs, R39fs, R126fs, R127fs.
Identifiers: ClinVar variation 4618855 (VCV004618855.1).

ClinVar aggregate classification (germline): Pathogenic (1 of 4 stars; one submission).

Conditions:
Inborn genetic diseases. Identifiers: MedGen C0950123, MeSH D030342.

Submission:

Ambry Genetics
Classification: Pathogenic for Inborn genetic diseases. Last evaluated: 2025-10-30. Review status: criteria provided, single submitter. Criteria: Ambry Variant Classification Scheme 2023. Collection method: clinical testing. Allele origin: germline.
Comment: The c.380_395del16insACT pathogenic mutation, located in coding exon 4 of the ETV6 gene, results from the deletion of 16 nucleotides and insertion of 3 nucleotides causing a translational frameshift with a predicted alternate stop codon (p.R127Hfs*78). This alteration is expected to result in loss of function by premature protein truncation or nonsense-mediated mRNA decay. This variant is considered to be rare based on population cohorts in the Genome Aggregation Database (gnomAD). As such, this alteration is interpreted as a disease-causing mutation.